The following is an entry in ClinVar:

ClinVar aggregate classification (germline): Uncertain significance. Review status: criteria provided, multiple submitters, no conflicts (2 of 4 stars). 2 submissions from 2 submitters: Uncertain significance (2). Last evaluated 2026-07-08.

Conditions:
Hereditary cancer-predisposing syndrome. Also called: Tumor predisposition; Hereditary Cancer Syndrome; Hereditary neoplastic syndrome; Neoplastic Syndromes, Hereditary. Identifiers: Orphanet 140162, MedGen C0027672, MeSH D009386, MONDO:0015356.
Fanconi anemia complementation group J. Also called: BRIP1-Related Fanconi Anemia. Identifiers: Orphanet 84, MedGen C1836860, MONDO:0012187, OMIM 609054.
Familial cancer of breast. Also called: Hereditary breast cancer; hereditary breast carcinoma; BREAST CANCER, FAMILIAL. Identifiers: Orphanet 227535, MedGen C0346153, MONDO:0016419, OMIM 114480. Disease mechanism: loss of function.

Submissions (2):

Ambry Genetics
Classification: Uncertain significance for Hereditary cancer-predisposing syndrome. Last evaluated: 2026-07-08. Review status: criteria provided, single submitter. Criteria: Ambry Variant Classification Scheme 2023. Collection method: clinical testing. Allele origin: germline.
Comment: The c.73_74insGAC variant (also known as p.S24_Q25insR), located in coding exon 1 of the BRIP1 gene, results from an in-frame GAC insertion at nucleotide positions 73 to 74. This results in the insertion of an extra arginine residue between codons 24 and 25. This amino acid region is highly conserved in available vertebrate species. In addition, this variant is predicted to be deleterious by in silico analysis (Choi Y et al. PLoS ONE. 2012; 7(10):e46688). Based on the available evidence, the clinical significance of this variant remains unclear.

Labcorp Genetics (formerly Invitae), Labcorp
Classification: Uncertain significance for Familial cancer of breast; Fanconi anemia complementation group J. Last evaluated: 2020-09-03. Review status: criteria provided, single submitter. Criteria: Invitae Variant Classification Sherloc (09022015). Collection method: clinical testing. Allele origin: germline.
Comment: In summary, the available evidence is currently insufficient to determine the role of this variant in disease. Therefore, it has been classified as a Variant of Uncertain Significance. Experimental studies and prediction algorithms are not available or were not evaluated, and the functional significance of this variant is currently unknown. This variant has not been reported in the literature in individuals with BRIP1-related conditions. This variant is not present in population databases (ExAC no frequency). This variant, c.73_74insGAC, results in the insertion of 1 amino acid(s) to the BRIP1 protein (p.Ser24_Gln25insArg), but otherwise preserves the integrity of the reading frame.

NM_032043.3(BRIP1):c.73_74insGAC (p.Ser24_Gln25insArg)

Gene: BRIP1 (BRCA1 interacting DNA helicase 1; minus strand). Cytogenetic location: 17q23.2.
Variant type: Insertion.
Coding change: c.73_74insGAC on transcript NM_032043.3 (MANE Select); coding-DNA positions 73 to 74, GAC inserted.
Protein change: p.Ser24_Gln25insArg.
Molecular consequence: inframe insertion.
Genome position: GRCh38 VCF-style: chr17-61861466-T-TGTC. GRCh37 (hg19) VCF-style: chr17-59938827-T-TGTC.
Other names: c.73_74insGAC (NM_032043.2).
Identifiers: ClinVar variation 1057988 (VCV001057988.11), dbSNP rs2145864048, ClinGen allele CA2499224822.